The following is an entry in ClinVar:

ClinVar aggregate classification (germline): Uncertain significance. Review status: criteria provided, multiple submitters, no conflicts (2 of 4 stars). 4 submissions from 4 submitters: Uncertain significance (4). Last evaluated 2024-06-22.

Conditions:
Inborn genetic diseases. Identifiers: MedGen C0950123, MeSH D030342.
Cranioectodermal dysplasia 1 (CED1). Also called: LEVIN SYNDROME I. Identifiers: Orphanet 1515, MedGen C0432235, MONDO:0021093, OMIM 218330.

Allele frequency attached by ClinVar (database versions not stated): gnomAD exomes 0.00001 and 0.00004; gnomAD 0.00002; TOPMed 0.00002; ExAC 0.00004.
gnomAD v4.1: 24 of 1,614,064 alleles (0.0015%); highest among the groups gnomAD compares: Middle Eastern, 0.016%; no homozygotes.

Submissions (4):

Labcorp Genetics (formerly Invitae), Labcorp
Classification: Uncertain significance for Cranioectodermal dysplasia 1. Last evaluated: 2024-06-22. Review status: criteria provided, single submitter. Criteria: Invitae Variant Classification Sherloc (09022015). Collection method: clinical testing. Allele origin: germline.
Comment: This sequence change replaces arginine, which is basic and polar, with histidine, which is basic and polar, at codon 1074 of the IFT122 protein (p.Arg1074His). This variant is present in population databases (rs753932809, gnomAD 0.008%). This variant has not been reported in the literature in individuals affected with IFT122-related conditions. ClinVar contains an entry for this variant (Variation ID: 1010783). Advanced modeling of protein sequence and biophysical properties (such as structural, functional, and spatial information, amino acid conservation, physicochemical variation, residue mobility, and thermodynamic stability) performed at Invitae indicates that this missense variant is not expected to disrupt IFT122 protein function with a negative predictive value of 80%. In summary, the available evidence is currently insufficient to determine the role of this variant in disease. Therefore, it has been classified as a Variant of Uncertain Significance.

Ambry Genetics
Classification: Uncertain significance for Inborn genetic diseases. Last evaluated: 2023-11-29. Review status: criteria provided, single submitter. Criteria: Ambry Variant Classification Scheme 2023. Collection method: clinical testing. Allele origin: germline.

Fulgent Genetics
Classification: Uncertain significance for Cranioectodermal dysplasia 1. Last evaluated: 2021-12-22. Review status: criteria provided, single submitter. Criteria: ACMG Guidelines, 2015. Collection method: clinical testing. Allele origin: unknown.

Baylor Genetics
Classification: Uncertain significance for Cranioectodermal dysplasia 1. Last evaluated: 2020-06-17. Review status: criteria provided, single submitter. Criteria: ACMG Guidelines, 2015. Collection method: clinical testing. Allele origin: unknown. Affected: yes.
Comment: This variant was determined to be of uncertain significance according to ACMG Guidelines, 2015 [PMID:25741868].

NM_052989.3(IFT122):c.3068G>A (p.Arg1023His)

Gene: IFT122 (intraflagellar transport 122; plus strand). Cytogenetic location: 3q22.1.
Variant type: single nucleotide variant.
Coding change: c.3068G>A on transcript NM_052989.3 (MANE Select); coding-DNA position 3068, G replaced by A.
Protein change: p.Arg1023His; replaces arginine 1023 with histidine.
Molecular consequence: missense variant.
Genome position (GRCh38, 1-based): chr3:129,514,469, G>A. VCF-style: chr3-129514469-G-A. GRCh37 (hg19) VCF-style: chr3-129233312-G-A.
Other names: c.3221G>A (NM_052985.2); c.3047G>A, p.Arg1016His (NM_001280541.2); c.2618G>A, p.Arg873His (NM_001280545.2); c.2441G>A, p.Arg814His (NM_001280546.2); c.2891G>A, p.Arg964His (NM_018262.4); c.3221G>A, p.Arg1074His (NM_052985.4); c.2738G>A, p.Arg913His (NM_052990.3); short protein forms R1016H, R1023H, R1074H, R814H, R873H, R913H, R964H.
Identifiers: ClinVar variation 1010783 (VCV001010783.9), dbSNP rs753932809, ClinGen allele CA2606772.